The following is an entry in ClinVar:

ClinVar aggregate classification (germline): Pathogenic (1 of 4 stars; one submission).

Conditions:
Combined immunodeficiency with skin granulomas. Identifiers: Orphanet 157949, MedGen C2673536, MONDO:0009306, OMIM 233650.
Severe combined immunodeficiency, autosomal recessive, T cell-negative, B cell-negative, NK cell-positive. Also called: SCID, AR, T-cell negative, B-cell negative, NK cell-positive; SCID, T CELL-NEGATIVE, B CELL-NEGATIVE, NK CELL-POSITIVE; Severe combined immunodeficiency due to complete RAG1/2 deficiency. Identifiers: Orphanet 331206, MedGen C1832322, MONDO:0011086, OMIM 601457.

Submission:

Labcorp Genetics (formerly Invitae), Labcorp
Classification: Pathogenic for Combined immunodeficiency with skin granulomas; Severe combined immunodeficiency, autosomal recessive, T cell-negative, B cell-negative, NK cell-positive. Last evaluated: 2022-02-20. Review status: criteria provided, single submitter. Criteria: Invitae Variant Classification Sherloc (09022015). Collection method: clinical testing. Allele origin: germline.
Comment: For these reasons, this variant has been classified as Pathogenic. This variant disrupts a region of the RAG2 protein in which other variant(s) (p.Glu480*) have been determined to be pathogenic (PMID: 21624848, 29772310). This suggests that this is a clinically significant region of the protein, and that variants that disrupt it are likely to be disease-causing. ClinVar contains an entry for this variant (Variation ID: 857371). This variant has not been reported in the literature in individuals affected with RAG2-related conditions. This variant is not present in population databases (gnomAD no frequency). This sequence change creates a premature translational stop signal (p.Gly82Alafs*49) in the RAG2 gene. While this is not anticipated to result in nonsense mediated decay, it is expected to disrupt the last 446 amino acid(s) of the RAG2 protein.

Literature cited by the submitters: PubMed 21624848; PubMed 29772310.

NM_000536.4(RAG2):c.243del (p.Gly82fs)

Gene: RAG2 (recombination activating 2; minus strand). Cytogenetic location: 11p12.
Variant type: Deletion.
Coding change: c.243del on transcript NM_000536.4 (MANE Select); coding-DNA position 243, one base deleted (A; older notation c.243delA).
Protein change: p.Gly82fs; shifts the reading frame from glycine 82.
Molecular consequence: frameshift variant.
Genome position (GRCh38, 1-based): chr11:36,593,926, T deleted on the plus strand (A on the coding strand, the reverse complement: RAG2 is on the minus strand); the first of 3 consecutive T bases (chr11:36,593,926-36,593,928); deleting any one gives the same sequence. VCF-style (leftmost placement, unchanged base first): chr11-36593925-CT-C. GRCh37 (hg19) VCF-style: chr11-36615475-CT-C.
Other names: c.243del, p.Gly82fs (NM_001243785.2, NM_001243786.2); short protein forms G82fs.
Identifiers: ClinVar variation 857371 (VCV000857371.9), dbSNP rs1851098227, ClinGen allele CA916082343.